The following is an entry in ClinVar:

NM_004523.4(KIF11):c.2304_2305del (p.His768fs)

Gene: KIF11 (kinesin family member 11; plus strand). Cytogenetic location: 10q23.33.
Variant type: Microsatellite.
Coding change: c.2304_2305del on transcript NM_004523.4 (MANE Select); coding-DNA positions 2304 to 2305, 2 bases deleted (CA; older notation c.2304_2305delCA).
Protein change: p.His768fs; shifts the reading frame from histidine 768.
Molecular consequence: frameshift variant.
Genome position (GRCh38, 1-based): chr10:92,645,399-92,645,400, CA deleted; deleting any 2 consecutive bases within chr10:92,645,397-92,645,400 gives the same sequence; the c. name uses the placement nearest the transcript's 3' end. VCF-style (leftmost placement, unchanged base first): chr10-92645396-TCA-T. GRCh37 (hg19) VCF-style: chr10-94405153-TCA-T.
Other names: c.2304_2305del (NM_004523.3); short protein forms H768fs.
Identifiers: ClinVar variation 1687208 (VCV001687208.2), dbSNP rs2135923352, ClinGen allele CA1139771908.

ClinVar aggregate classification (germline): Pathogenic. Review status: criteria provided, multiple submitters, no conflicts (2 of 4 stars). 2 submissions from 2 submitters: Pathogenic (2). Last evaluated 2024-01-12.

Conditions:
Microcephaly with or without chorioretinopathy, lymphedema, or impaired intellectual development. Also called: MICROCEPHALY AND CHORIORETINOPATHY WITH OR WITHOUT MENTAL RETARDATION, AUTOSOMAL DOMINANT; MICROCEPHALY, LYMPHEDEMA, CHORIORETINAL DYSPLASIA SYNDROME; Microcephaly with or without chorioretinopathy, lymphedema, or intellectual disability; Microcephaly with or without chorioretinopathy, lymphedema, or mental retardation; Microcephaly lymphedema chorioretinal dysplasia. Identifiers: Orphanet 2526, MedGen C1835265, MONDO:0007918, OMIM 152950.

Submissions (2):

GeneDx
Classification: Pathogenic. Last evaluated: 2024-01-12. Review status: criteria provided, single submitter. Criteria: GeneDx Variant Classification Process June 2021. Collection method: clinical testing. Allele origin: germline. Affected: yes.
Comment: Frameshift variant predicted to result in protein truncation or nonsense mediated decay in a gene for which loss of function is a known mechanism of disease; Not observed at significant frequency in large population cohorts (gnomAD); This variant is associated with the following publications: (PMID: 22284827)

3billion
Classification: Pathogenic for Microcephaly with or without chorioretinopathy, lymphedema, or impaired intellectual development. Last evaluated: 2022-05-22. Review status: criteria provided, single submitter. Criteria: ACMG Guidelines, 2015. Collection method: clinical testing. Allele origin: germline. Affected: yes. Observed: 1 heterozygote.
Comment: The deletion creates a frameshift variant, which is expected to cause a loss of normal protein function via nonsense-mediated mRNA decay. This variant has been reported as pathogenic (PMID:22284827). It is absent from the gnomAD v2.1.1 dataset (PM2_M). Therefore, this variant is classified as pathogenic according to the recommendation of ACMG/AMP guideline.

Literature cited by the submitters: PubMed 22284827 (cited by 3billion).